The following is an entry in ClinVar:

ClinVar aggregate classification (germline): Uncertain significance (1 of 4 stars; one submission).

Conditions:
Cardiovascular phenotype. Identifiers: MedGen CN230736.
Hereditary cancer-predisposing syndrome. Also called: Neoplastic Syndromes, Hereditary; Tumor predisposition; Hereditary Cancer Syndrome; Hereditary neoplastic syndrome. Identifiers: Orphanet 140162, MedGen C0027672, MeSH D009386, MONDO:0015356.

Submission:

Ambry Genetics
Classification: Uncertain significance for Cardiovascular phenotype; Hereditary cancer-predisposing syndrome. Last evaluated: 2026-04-30. Review status: criteria provided, single submitter. Criteria: Ambry Variant Classification Scheme 2023. Collection method: clinical testing. Allele origin: germline.
Comment: The p.M108L variant (also known as c.322A>T), located in coding exon 4 of the NF1 gene, results from an A to T substitution at nucleotide position 322. The methionine at codon 108 is replaced by leucine, an amino acid with highly similar properties. This amino acid position is highly conserved in available vertebrate species. In addition, the in silico prediction for this alteration is inconclusive. Based on the available evidence, the clinical significance of this variant remains unclear.

NM_001042492.3(NF1):c.322A>T (p.Met108Leu)

Gene: NF1 (neurofibromin 1; plus strand). Cytogenetic location: 17q11.2.
Variant type: single nucleotide variant.
Coding change: c.322A>T on transcript NM_001042492.3 (MANE Select); coding-DNA position 322, A replaced by T.
Protein change: p.Met108Leu; replaces methionine 108 with leucine.
Molecular consequence: missense variant.
Genome position (GRCh38, 1-based): chr17:31,163,219, A>T. VCF-style: chr17-31163219-A-T. GRCh37 (hg19) VCF-style: chr17-29490237-A-T.
Other names: c.322A>T, p.Met108Leu (NM_001128147.3, NM_000267.4); short protein forms M108L.
Identifiers: ClinVar variation 4860943 (VCV004860943.1).